The following is an entry in ClinVar:

NM_007194.4(CHEK2):c.908+1493_1095+388del

Gene: CHEK2 (checkpoint kinase 2; minus strand). Cytogenetic location: 22q12.1.
Variant type: Deletion.
Coding change: c.908+1493_1095+388del on transcript NM_007194.4 (MANE Select); 1493 bases into the intron after coding-DNA position 908 through 388 bases into the intron after coding-DNA position 1095, 5,500 bases deleted.
Molecular consequence: splice acceptor variant, splice donor variant.
Genome position (GRCh38, 1-based): chr22:28,696,513-28,702,012, 5,500 bases deleted. GRCh37 (hg19): chr22:29,092,504-29,098,003.
Other names: c.908+1493_1009-640del (NM_145862.3); c.245+1493_432+388del (NM_001257387.3, NM_001437942.1); c.1001+1493_1102-640del (NM_001438295.1); c.1001+1493_1188+388del (NM_001438293.1); c.1037+1493_1138-640del (NM_001438294.1); c.1037+1493_1224+388del (NM_001005735.3); c.707+1493_894+388del (NM_001349956.3).
Identifiers: ClinVar variation 2577900 (VCV002577900.1), ClinGen allele CA2580617522.

ClinVar aggregate classification (germline): Pathogenic (1 of 4 stars; one submission).

Conditions:
Predisposition to cancer.

Submission:

St. Jude Molecular Pathology, St. Jude Children's Research Hospital
Classification: Pathogenic for Predisposition to cancer. Last evaluated: 2023-06-22. Review status: criteria provided, single submitter. Criteria: St. Jude Assertion Criteria 2020. Collection method: clinical testing. Allele origin: germline.
Comment: The CHEK2 c.908+1493_1095+388del variant is a gross deletion of the genomic region encompassing exons 9-10 of the CHEK2 gene. The 5' end is likely confined to intron 8. The 3' end of this event is likely confined to intron 10. This deletion is expected to result in an absent or disrupted protein product. A deletion of this region has been reported in individuals with breast cancer, prostate cancer, thrombocythemia, thyroid cancer, medulloblastoma, and renal cell carcinoma (PMID: 16551709, 17085682, 21876083, 22058216, 25583358, 29753700, 29978187). Of note, this deletion is also referred to as del5395, and is reported to be a Slavic founder variant. In summary, this variant meets criteria to be classified as pathogenic.